The following is an entry in ClinVar:

NM_004006.3(DMD):c.457C>T (p.Gln153Ter)

Gene: DMD (dystrophin; minus strand). Cytogenetic location: Xp21.1.
Variant type: single nucleotide variant.
Coding change: c.457C>T on transcript NM_004006.3 (MANE Select); coding-DNA position 457, C replaced by T.
Protein change: p.Gln153Ter; replaces glutamine 153 with a stop codon.
Molecular consequence: nonsense.
Genome position (GRCh38, 1-based): chrX:32,816,541, G>A on the plus strand (C>T on the coding strand, the complement: DMD is on the minus strand). VCF-style: chrX-32816541-G-A. GRCh37 (hg19) VCF-style: chrX-32834658-G-A.
Other names: c.433C>T, p.Gln145Ter (NM_000109.4); c.445C>T, p.Gln149Ter (NM_004009.3); c.88C>T, p.Gln30Ter (NM_004010.3); short protein forms Q153*, Q30*, Q149*, Q145*.
Identifiers: ClinVar variation 284924 (VCV000284924.20), dbSNP rs886042983, ClinGen allele CA10604955.

ClinVar aggregate classification (germline): Pathogenic. Review status: criteria provided, multiple submitters, no conflicts (2 of 4 stars). 5 submissions from 5 submitters: Pathogenic (5). Last evaluated 2023-07-30.

Conditions:
Becker muscular dystrophy (BMD). Also called: MUSCULAR DYSTROPHY, PSEUDOHYPERTROPHIC PROGRESSIVE, BECKER TYPE; Becker Muscular Dystrophy (BMD). Identifiers: Orphanet 98895, MedGen C0917713, MONDO:0010311, OMIM 300376.
Duchenne muscular dystrophy (DMD). Also called: Duchenne Muscular Dystrophy (DMD); MUSCULAR DYSTROPHY, PSEUDOHYPERTROPHIC PROGRESSIVE, DUCHENNE TYPE. Identifiers: Orphanet 98896, MedGen C0013264, MONDO:0010679, OMIM 310200.
Dilated cardiomyopathy 3B (CMD3B). Also called: CMD3B: DMD-Related Dilated Cardiomyopathy; CARDIOMYOPATHY, DILATED, X-LINKED; DMD-Associated Dilated Cardiomyopathy. Identifiers: Orphanet 154, MedGen C3668940, MONDO:0010542, OMIM 302045.

Submissions (5):

Labcorp Genetics (formerly Invitae), Labcorp
Classification: Pathogenic for Duchenne muscular dystrophy. Last evaluated: 2023-07-30. Review status: criteria provided, single submitter. Criteria: Invitae Variant Classification Sherloc (09022015). Collection method: clinical testing. Allele origin: germline.
Comment: This sequence change creates a premature translational stop signal (p.Gln153*) in the DMD gene. It is expected to result in an absent or disrupted protein product. Loss-of-function variants in DMD are known to be pathogenic (PMID: 16770791, 25007885). This variant is not present in population databases (gnomAD no frequency). This premature translational stop signal has been observed in individual(s) with clinical features consistent with Duchenne muscular dystrophy (PMID: 19937601, 32559196). ClinVar contains an entry for this variant (Variation ID: 284924). For these reasons, this variant has been classified as Pathogenic.

Laboratory of Medical Genetics, National & Kapodistrian University of Athens
Classification: Pathogenic for Duchenne muscular dystrophy. Last evaluated: 2022-12-16. Review status: criteria provided, single submitter. Criteria: ACMG Guidelines, 2015. Collection method: clinical testing. Allele origin: germline. Affected: yes.
Comment: PVS1, PM2, PP5

Revvity Omics, Revvity
Classification: Pathogenic. Last evaluated: 2021-05-06. Review status: criteria provided, single submitter. Criteria: ACMG Guidelines, 2015. Collection method: clinical testing. Allele origin: germline.

Eurofins Ntd Llc (ga)
Classification: Pathogenic. Last evaluated: 2015-12-14. Review status: criteria provided, single submitter. Criteria: EGL Classification Definitions 2015. Collection method: clinical testing. Allele origin: germline. Observed: 1 variant allele, 1 hemizygote.

Juno Genomics, Hangzhou Juno Genomics, Inc
Classification: Pathogenic for Becker muscular dystrophy; Dilated cardiomyopathy 3B; Duchenne muscular dystrophy. Review status: criteria provided, single submitter. Criteria: ACMG Guidelines, 2015. Collection method: clinical testing. Allele origin: germline. Affected: yes.
Comment: Absent from controls (or at extremely low frequency if recessive) in Genome Aggregation Database, Exome Sequencing Project, 1000 Genomes Project, or Exome Aggregation Consortium.;Null variant in a gene where loss of function (LOF) is a known mechanism of disease.;The prevalence of the variant in affected individuals is significantly increased compared to the prevalence in controls.;Patient's phenotype or family history is highly specific for a disease with a single genetic etiology.

Literature cited by the submitters: PubMed 16770791 (cited by Labcorp Genetics (formerly Invitae), Labcorp); PubMed 25007885 (cited by Labcorp Genetics (formerly Invitae), Labcorp); PubMed 19937601 (cited by Labcorp Genetics (formerly Invitae), Labcorp); PubMed 32559196 (cited by Labcorp Genetics (formerly Invitae), Labcorp); PubMed 33644936 (cited by Laboratory of Medical Genetics, National & Kapodistrian University of Athens).